The following is an entry in ClinVar:

ClinVar aggregate classification (germline): Likely benign (0 of 4 stars; one submission).

Conditions:
NCAM2-related disorder. Also called: NCAM2-related condition.

Allele frequency attached by ClinVar (database versions not stated): ESP Exome Variant Server 0.00087; 1000 Genomes Project 30x 0.00094; gnomAD 0.00094; 1000 Genomes Project 0.00100; TOPMed 0.00108.
gnomAD v4.1: 293 of 1,614,000 alleles (0.018%); highest among the groups gnomAD compares: African/African-American, 0.37%; no homozygotes.

Submission:

PreventionGenetics, part of Exact Sciences
Classification: Likely benign for NCAM2-related condition. Last evaluated: 2019-07-25. Review status: no assertion criteria provided. Collection method: clinical testing. Allele origin: germline.
Comment: This variant is classified as likely benign based on ACMG/AMP sequence variant interpretation guidelines (Richards et al. 2015 PMID: 25741868, with internal and published modifications).

NM_004540.5(NCAM2):c.48C>T (p.Ser16=)

Gene: NCAM2 (neural cell adhesion molecule 2; plus strand). Cytogenetic location: 21q21.1.
Variant type: single nucleotide variant.
Coding change: c.48C>T on transcript NM_004540.5 (MANE Select); coding-DNA position 48, C replaced by T.
Protein change: p.Ser16=; no amino-acid change (serine 16 retained).
Molecular consequence: synonymous variant. On other transcripts: 5 prime UTR variant (1).
Genome position (GRCh38, 1-based): chr21:20,998,611, C>T. VCF-style: chr21-20998611-C-T. GRCh37 (hg19) VCF-style: chr21-22370929-C-T.
Other names: c.48C>T, p.Ser16= (NM_001352591.2, NM_001352593.2, NM_001352594.2 and 2 more transcripts); c.-29C>T (NM_001352592.2).
Identifiers: ClinVar variation 3035047 (VCV003035047.2), dbSNP rs116546079, ClinGen allele CA9984929.